The following is an entry in ClinVar:

ClinVar aggregate classification (germline): Uncertain significance. Review status: criteria provided, multiple submitters, no conflicts (2 of 4 stars). 2 submissions from 2 submitters: Uncertain significance (2). Last evaluated 2025-02-19.

Conditions:
Inborn genetic diseases. Identifiers: MedGen C0950123, MeSH D030342.
Congenital myasthenic syndrome 8. Also called: MYASTHENIC SYNDROME, CONGENITAL, DUE TO AGRIN DEFICIENCY; Myasthenic syndrome, congenital, 8, with pre- and postsynaptic defects. Identifiers: Orphanet 590, MedGen C3808739, MONDO:0014052, OMIM 615120.

gnomAD v4.1: 7 of 1,612,932 alleles (0.00043%); highest among the groups gnomAD compares: Non-Finnish European, 0.00059%; no homozygotes.

Submissions (2):

Ambry Genetics
Classification: Uncertain significance for Inborn genetic diseases. Last evaluated: 2025-02-19. Review status: criteria provided, single submitter. Criteria: Ambry Variant Classification Scheme 2023. Collection method: clinical testing. Allele origin: germline.

Labcorp Genetics (formerly Invitae), Labcorp
Classification: Uncertain significance for Congenital myasthenic syndrome 8. Last evaluated: 2022-02-08. Review status: criteria provided, single submitter. Criteria: Invitae Variant Classification Sherloc (09022015). Collection method: clinical testing. Allele origin: germline.
Comment: This variant is present in population databases (rs766825692, gnomAD 0.002%). This sequence change replaces arginine, which is basic and polar, with cysteine, which is neutral and slightly polar, at codon 1190 of the AGRN protein (p.Arg1190Cys). This variant has not been reported in the literature in individuals affected with AGRN-related conditions. In summary, the available evidence is currently insufficient to determine the role of this variant in disease. Therefore, it has been classified as a Variant of Uncertain Significance. Algorithms developed to predict the effect of missense changes on protein structure and function are either unavailable or do not agree on the potential impact of this missense change (SIFT: "Deleterious"; PolyPhen-2: "Possibly Damaging"; Align-GVGD: "Class C0").

NM_198576.4(AGRN):c.3568C>T (p.Arg1190Cys)

Gene: AGRN (agrin; plus strand). Cytogenetic location: 1p36.33.
Variant type: single nucleotide variant.
Coding change: c.3568C>T on transcript NM_198576.4 (MANE Select); coding-DNA position 3568, C replaced by T.
Protein change: p.Arg1190Cys; replaces arginine 1190 with cysteine.
Molecular consequence: missense variant.
Genome position (GRCh38, 1-based): chr1:1,047,624, C>T. VCF-style: chr1-1047624-C-T. GRCh37 (hg19) VCF-style: chr1-983004-C-T.
Other names: c.3568C>T (NM_198576.3); c.3568C>T, p.Arg1190Cys (NM_001305275.2); c.3253C>T, p.Arg1085Cys (NM_001364727.2); short protein forms R1085C, R1190C.
Identifiers: ClinVar variation 1386825 (VCV001386825.9), dbSNP rs766825692, ClinGen allele CA509141.